The following is an entry in ClinVar:

ClinVar aggregate classification (germline): Uncertain significance. Review status: criteria provided, multiple submitters, no conflicts (2 of 4 stars). 2 submissions from 2 submitters: Uncertain significance (2). Last evaluated 2025-03-09.

Conditions:
Cardiovascular phenotype. Identifiers: MedGen CN230736.

Submissions (2):

Ambry Genetics
Classification: Uncertain significance for Cardiovascular phenotype. Last evaluated: 2025-03-09. Review status: criteria provided, single submitter. Criteria: Ambry Variant Classification Scheme 2023. Collection method: clinical testing. Allele origin: germline.
Comment: The p.K262R variant (also known as c.785A>G), located in coding exon 6 of the LCAT gene, results from an A to G substitution at nucleotide position 785. The lysine at codon 262 is replaced by arginine, an amino acid with highly similar properties. This amino acid position is conserved. In addition, this alteration is predicted to be tolerated by in silico analysis. Based on the available evidence, the clinical significance of this variant remains unclear.

Blueprint Genetics
Classification: Uncertain significance. Last evaluated: 2018-06-18. Review status: criteria provided, single submitter. Criteria: ACMG Guidelines, 2015. Collection method: clinical testing. Allele origin: germline.

NM_000229.2(LCAT):c.785A>G (p.Lys262Arg)

Gene: LCAT (lecithin-cholesterol acyltransferase; minus strand). Cytogenetic location: 16q22.1.
Variant type: single nucleotide variant.
Coding change: c.785A>G on transcript NM_000229.2 (MANE Select); coding-DNA position 785, A replaced by G.
Protein change: p.Lys262Arg; replaces lysine 262 with arginine.
Molecular consequence: missense variant.
Genome position (GRCh38, 1-based): chr16:67,940,442, T>C on the plus strand (A>G on the coding strand, the complement: LCAT is on the minus strand). VCF-style: chr16-67940442-T-C. GRCh37 (hg19) VCF-style: chr16-67974345-T-C.
Other names: short protein forms K262R.
Identifiers: ClinVar variation 3866622 (VCV003866622.2).